The following is an entry in ClinVar:

NM_002439.5(MSH3):c.2510T>C (p.Leu837Pro)

Gene: MSH3 (mutS homolog 3; plus strand). Cytogenetic location: 5q14.1.
Variant type: single nucleotide variant.
Coding change: c.2510T>C on transcript NM_002439.5 (MANE Select); coding-DNA position 2510, T replaced by C.
Protein change: p.Leu837Pro; replaces leucine 837 with proline.
Molecular consequence: missense variant.
Genome position (GRCh38, 1-based): chr5:80,787,639, T>C. VCF-style: chr5-80787639-T-C. GRCh37 (hg19) VCF-style: chr5-80083458-T-C.
Other names: short protein forms L837P.
Identifiers: ClinVar variation 2565663 (VCV002565663.6), dbSNP rs2546784352, ClinGen allele CA360283340.
Genomic context (GRCh38, chr5:80,787,639, plus strand): 5'-ATTATCACTCCTTGTGTAAAGCAGTGCATCACCTAGCAACTGTTGACTGCATTTTCTCCC[T>C]GGCCAAGGTCGCTAAGCAAGGAGATTACTGCAGGTAAGATATTTTTCATTTTCCTCTTTA-3'
Protein context (NP_002430.3, residues 827-847): HLATVDCIFS[Leu837Pro]AKVAKQGDYC

ClinVar aggregate classification (germline): Uncertain significance. Review status: criteria provided, multiple submitters, no conflicts (2 of 4 stars). 2 submissions from 2 submitters: Uncertain significance (2). Last evaluated 2025-07-22.

Conditions:
Hereditary cancer-predisposing syndrome. Also called: Neoplastic Syndromes, Hereditary; Hereditary Cancer Syndrome; Hereditary neoplastic syndrome; Tumor predisposition. Identifiers: Orphanet 140162, MedGen C0027672, MeSH D009386, MONDO:0015356.

Allele frequency attached by ClinVar (database versions not stated): gnomAD exomes below 0.00001.
gnomAD v4.1: 1 of 1,613,934 alleles (0.000062%); highest among the groups gnomAD compares: Non-Finnish European, 0.000085%; no homozygotes.

Submissions (2):

Ambry Genetics
Classification: Uncertain significance for Hereditary cancer-predisposing syndrome. Last evaluated: 2025-07-22. Review status: criteria provided, single submitter. Criteria: Ambry Variant Classification Scheme 2023. Collection method: clinical testing. Allele origin: germline.
Comment: The p.L837P variant (also known as c.2510T>C), located in coding exon 18 of the MSH3 gene, results from a T to C substitution at nucleotide position 2510. The leucine at codon 837 is replaced by proline, an amino acid with similar properties. This amino acid position is conserved. In addition, this alteration is predicted to be deleterious by in silico analysis. Since supporting evidence is limited at this time, the clinical significance of this alteration remains unclear.

Labcorp Genetics (formerly Invitae), Labcorp
Classification: Uncertain significance. Last evaluated: 2022-12-19. Review status: criteria provided, single submitter. Criteria: Invitae Variant Classification Sherloc (09022015). Collection method: clinical testing. Allele origin: germline.
Comment: In summary, the available evidence is currently insufficient to determine the role of this variant in disease. Therefore, it has been classified as a Variant of Uncertain Significance. Algorithms developed to predict the effect of missense changes on protein structure and function are either unavailable or do not agree on the potential impact of this missense change (SIFT: "Deleterious"; PolyPhen-2: "Probably Damaging"; Align-GVGD: "Class C0"). This sequence change replaces leucine, which is neutral and non-polar, with proline, which is neutral and non-polar, at codon 837 of the MSH3 protein (p.Leu837Pro). This variant is not present in population databases (gnomAD no frequency). This variant has not been reported in the literature in individuals affected with MSH3-related conditions.